The following is an entry in ClinVar:

NM_000059.4(BRCA2):c.2775del (p.Thr926fs)

Gene: BRCA2 (BRCA2 DNA repair associated; plus strand). Cytogenetic location: 13q13.1.
Variant type: Deletion.
Coding change: c.2775del on transcript NM_000059.4 (MANE Select); coding-DNA position 2775, one base deleted (T; older notation c.2775delT).
Protein change: p.Thr926fs; shifts the reading frame from threonine 926.
Molecular consequence: frameshift variant.
Genome position (GRCh38, 1-based): chr13:32,337,130, T deleted. VCF-style (leftmost placement, unchanged base first): chr13-32337129-CT-C. GRCh37 (hg19) VCF-style: chr13-32911266-CT-C.
Other names: c.2775delT (NM_000059.3); short protein forms T926fs.
Identifiers: ClinVar variation 418078 (VCV000418078.12), dbSNP rs1064793063, ClinGen allele CA16619677.

ClinVar aggregate classification (germline): Pathogenic. Review status: reviewed by expert panel (3 of 4 stars). 5 submissions from 5 submitters: Pathogenic (1). 4 of the submissions do not count toward it. Last evaluated 2017-12-15.

Conditions:
Hereditary breast ovarian cancer syndrome. Also called: Hereditary breast and ovarian cancer syndrome; Hereditary breast and ovarian cancer; Hereditary breast and ovarian cancer syndrome (HBOC); Breast and ovarian cancer; Hereditary breast and/or ovarian cancer syndrome; BRCA1- and BRCA2-Associated Hereditary Breast and Ovarian Cancer. Identifiers: Orphanet 145, MedGen C0677776, MeSH D061325, MONDO:0003582. Disease mechanism: loss of function.
Hereditary cancer-predisposing syndrome. Also called: Tumor predisposition; Hereditary neoplastic syndrome; Neoplastic Syndromes, Hereditary; Hereditary Cancer Syndrome. Identifiers: Orphanet 140162, MedGen C0027672, MeSH D009386, MONDO:0015356.
Breast-ovarian cancer, familial, susceptibility to, 2 (BROVCA2). Also called: BRCA2 Hereditary Breast and Ovarian Cancer. Identifiers: Orphanet 145, MedGen C2675520, MONDO:0012933, OMIM 612555. Disease mechanism: loss of function.
Inherited ovarian cancer (without breast cancer).

Submissions (5):

Evidence-based Network for the Interpretation of Germline Mutant Alleles (ENIGMA)
Classification: Pathogenic for Breast-ovarian cancer, familial, susceptibility to, 2. Last evaluated: 2017-12-15. Review status: reviewed by expert panel. Criteria: ENIGMA BRCA1/2 Classification Criteria (2017-06-29). Collection method: curation. Allele origin: germline. Study: ENIGMA.
Comment: Variant allele predicted to encode a truncated non-functional protein.

Genetics Laboratory, Great Ormond Street Hospital NHS Foundation Trust, North Thames Genomic Laboratory Hub
Classification: Pathogenic for Inherited ovarian cancer (without breast cancer). Last evaluated: 2026-06-30. Review status: criteria provided, single submitter. Criteria: CanVIG BRCA Gene Specific V1.22. Collection method: clinical testing. Allele origin: germline. Affected: yes. Not counted in ClinVar's aggregate classification.
Comment: PM2_moderate, PVS1_very-strong, PM5_strong

Labcorp Genetics (formerly Invitae), Labcorp
Classification: Pathogenic for Hereditary breast ovarian cancer syndrome. Last evaluated: 2023-09-10. Review status: criteria provided, single submitter. Criteria: Invitae Variant Classification Sherloc (09022015). Collection method: clinical testing. Allele origin: germline. Not counted in ClinVar's aggregate classification.
Comment: This sequence change creates a premature translational stop signal (p.Thr926Profs*34) in the BRCA2 gene. It is expected to result in an absent or disrupted protein product. Loss-of-function variants in BRCA2 are known to be pathogenic (PMID: 20104584). This variant is not present in population databases (gnomAD no frequency). This premature translational stop signal has been observed in individual(s) with breast and/or ovarian cancer (PMID: 29470806). ClinVar contains an entry for this variant (Variation ID: 418078). For these reasons, this variant has been classified as Pathogenic.

Ambry Genetics
Classification: Pathogenic for Hereditary cancer-predisposing syndrome. Last evaluated: 2022-08-26. Review status: criteria provided, single submitter. Criteria: Ambry Variant Classification Scheme 2023. Collection method: clinical testing. Allele origin: germline. Not counted in ClinVar's aggregate classification.
Comment: The c.2775delT pathogenic mutation, located in coding exon 10 of the BRCA2 gene, results from a deletion of one nucleotide at nucleotide position 2775, causing a translational frameshift with a predicted alternate stop codon (p.T926Pfs*34). This variant was observed in a study of 1010 unrelated Indian patients with breast and/or ovarian cancer (Singh J et al. Breast Cancer Res Treat. 2018 Jul;170:189-196). This variant is considered to be rare based on population cohorts in the Genome Aggregation Database (gnomAD). In addition to the clinical data presented in the literature, this alteration is expected to result in loss of function by premature protein truncation or nonsense-mediated mRNA decay. As such, this alteration is interpreted as a disease-causing mutation.

GeneDx
Classification: Pathogenic. Last evaluated: 2015-01-30. Review status: criteria provided, single submitter. Criteria: GeneDx Variant Classification (06012015). Collection method: clinical testing. Allele origin: germline. Affected: yes. Not counted in ClinVar's aggregate classification.
Comment: This deletion of one nucleotide is denoted BRCA2 c.2775delT at the cDNA level and p.Thr926ProfsX34 (T926PfsX34) at the protein level. The normal sequence, with the base that is deleted in brackets, is ACTC[T]ACCA. The deletion creates a nonsense variant, which changes a Threonine to a premature stop codon. Using alternate nomenclature, This variant would be defined as BRCA2 3003delT. Although this variant has not been previously reported to our knowledge, it is predicted to cause loss of normal protein function through either protein truncation or nonsense-mediated mRNA decay, and is considered pathogenic.

Literature cited by the submitters: PubMed 20104584 (cited by Labcorp Genetics (formerly Invitae), Labcorp); PubMed 29470806 (cited by Labcorp Genetics (formerly Invitae), Labcorp and Ambry Genetics).